The following is an entry in ClinVar:

ClinVar aggregate classification (germline): Benign (1 of 4 stars; one submission).

Conditions:
Familial hemophagocytic lymphohistiocytosis 4 (FHL4). Also called: STX11-Related Familial Hemophagocytic Lymphohistiocytosis (STX11-fHLH). Identifiers: Orphanet 540, MedGen C1863728, MONDO:0011336, OMIM 603552.

Allele frequency attached by ClinVar (database versions not stated): 1000 Genomes Project 30x 0.26671; 1000 Genomes Project 0.26697; TOPMed 0.26788; gnomAD 0.27040 and 0.27304.
gnomAD v4.1: 41,545 of 152,016 alleles (27%); highest among the groups gnomAD compares: East Asian, 36%; 5,959 homozygotes.

Submission:

Illumina Laboratory Services, Illumina
Classification: Benign for Familial hemophagocytic lymphohistiocytosis 4. Last evaluated: 2018-01-12. Review status: criteria provided, single submitter. Criteria: ICSL Variant Classification Criteria 13 December 2019. Collection method: clinical testing. Allele origin: germline.
Comment: This variant was observed in the ICSL laboratory as part of a predisposition screen in an ostensibly healthy population. It had not been previously curated by ICSL or reported in the Human Gene Mutation Database (HGMD: prior to June 1st, 2018), and was therefore a candidate for classification through an automated scoring system. Utilizing variant allele frequency, disease prevalence and penetrance estimates, and inheritance mode, an automated score was calculated to assess if this variant is too frequent to cause the disease. Based on the score and internal cut-off values, a variant classified as benign is not then subjected to further curation. The score for this variant resulted in a classification of benign for this disease.

NM_003764.4(STX11):c.*2298C>T

Gene: STX11 (syntaxin 11; plus strand). Cytogenetic location: 6q24.2.
Variant type: single nucleotide variant.
Coding change: c.*2298C>T on transcript NM_003764.4 (MANE Select); 2298 bases downstream of the stop codon, C replaced by T.
Molecular consequence: 3 prime UTR variant.
Genome position (GRCh38, 1-based): chr6:144,189,789, C>T. VCF-style: chr6-144189789-C-T. GRCh37 (hg19) VCF-style: chr6-144510926-C-T.
Other names: c.*2298C>T (LRG_113t1).
Identifiers: ClinVar variation 355635 (VCV000355635.5), dbSNP rs3734227, ClinGen allele CA10625996.